The following is an entry in ClinVar:

ClinVar aggregate classification (germline): Likely pathogenic (1 of 4 stars; one submission).

Conditions:
Ehlers-Danlos syndrome, musculocontractural type 1. Identifiers: MedGen CN295219, MONDO:0020681, OMIM 601776.

Submission:

3billion
Classification: Likely pathogenic for Ehlers-Danlos syndrome, musculocontractural type 1. Last evaluated: 2024-06-11. Review status: criteria provided, single submitter. Criteria: ACMG Guidelines, 2015. Collection method: clinical testing. Allele origin: germline. Affected: yes.
Comment: The variant is observed at an extremely low frequency in the gnomAD v4.0.0 dataset (total allele frequency: <0.001%). Predicted Consequence/Location: Missense variant In silico tool predictions suggest damaging effect of the variant on gene or gene product [REVEL: 0.91 (>=0.6, sensitivity 0.68 and specificity 0.92); 3Cnet: 0.87 (>=0.6, sensitivity 0.72 and precision 0.9)]. The same nucleotide change resulting in the same amino acid change has been previously reported to be associated with CHST14 related disorder (PMID: 21744491).The variant has been reported to be in trans with a pathogenic variant as either compound heterozygous or homozygous in at least one similarly affected unrelated individual (PMID: 21744491). Therefore, this variant is classified as Likely pathogenic according to the recommendation of ACMG/AMP guideline.

Literature cited by the submitters: PubMed 21744491.

NM_130468.4(CHST14):c.626T>C (p.Phe209Ser)

Gene: CHST14 (carbohydrate sulfotransferase 14; plus strand). Cytogenetic location: 15q15.1.
Variant type: single nucleotide variant.
Coding change: c.626T>C on transcript NM_130468.4 (MANE Select); coding-DNA position 626, T replaced by C.
Protein change: p.Phe209Ser; replaces phenylalanine 209 with serine.
Molecular consequence: missense variant.
Genome position (GRCh38, 1-based): chr15:40,471,839, T>C. VCF-style: chr15-40471839-T-C. GRCh37 (hg19) VCF-style: chr15-40764038-T-C.
Other names: short protein forms F209S.
Identifiers: ClinVar variation 4292286 (VCV004292286.1).
Genomic context (GRCh38, chr15:40,471,839, plus strand): 5'-TGTTCCTGGCCGACCTGCGGCCTGAGGAGATTCGCTACCGCCTGCAGCACTACTTTAAGT[T>C]CCTGTTTGTGCGGGAGCCCTTGGAACGCCTCCTCTCTGCCTACCGCAACAAGTTTGGCGA-3'
Protein context (NP_569735.1, residues 199-219): IRYRLQHYFK[Phe209Ser]LFVREPLERL